The following is an entry in ClinVar:

ClinVar aggregate classification (germline): Benign. Review status: criteria provided, multiple submitters, no conflicts (2 of 4 stars). 3 submissions from 3 submitters: Benign (2). 1 of the submissions does not count toward it. Last evaluated 2026-01-02.

Conditions:
KITLG-related disorder. Also called: KITLG-related condition.

Allele frequency attached by ClinVar (database versions not stated): gnomAD 0.00051 and 0.00077; gnomAD exomes 0.00084 and 0.00177; TOPMed 0.00101; ExAC 0.00172; 1000 Genomes Project 30x 0.00375; 1000 Genomes Project 0.00399.
gnomAD v4.1: 1,325 of 1,610,896 alleles (0.082%); highest among the groups gnomAD compares: East Asian, 2.8%; 19 homozygotes.

Submissions (3):

Labcorp Genetics (formerly Invitae), Labcorp
Classification: Benign. Last evaluated: 2026-01-02. Review status: criteria provided, single submitter. Criteria: Invitae Variant Classification Sherloc (09022015). Collection method: clinical testing. Allele origin: germline.

GeneDx
Classification: Benign. Last evaluated: 2021-01-07. Review status: criteria provided, single submitter. Criteria: GeneDx Variant Classification Process June 2021. Collection method: clinical testing. Allele origin: germline. Affected: yes.

PreventionGenetics, part of Exact Sciences
Classification: Benign for KITLG-related condition. Last evaluated: 2024-01-02. Review status: no assertion criteria provided. Collection method: clinical testing. Allele origin: germline. Not counted in ClinVar's aggregate classification.
Comment: This variant is classified as benign based on ACMG/AMP sequence variant interpretation guidelines (Richards et al. 2015 PMID: 25741868, with internal and published modifications).

NM_000899.5(KITLG):c.160A>G (p.Thr54Ala)

Gene: KITLG (KIT ligand; minus strand). Cytogenetic location: 12q21.32.
Variant type: single nucleotide variant.
Coding change: c.160A>G on transcript NM_000899.5 (MANE Select); coding-DNA position 160, A replaced by G.
Protein change: p.Thr54Ala; replaces threonine 54 with alanine.
Molecular consequence: missense variant.
Genome position (GRCh38, 1-based): chr12:88,532,473, T>C on the plus strand (A>G on the coding strand, the complement: KITLG is on the minus strand). VCF-style: chr12-88532473-T-C. GRCh37 (hg19) VCF-style: chr12-88926250-T-C.
Other names: c.160A>G, p.Thr54Ala (NM_003994.6); short protein forms T54A.
Identifiers: ClinVar variation 726999 (VCV000726999.14), dbSNP rs3741457, ClinGen allele CA6713768.
Genomic context (GRCh38, chr12:88,532,473, plus strand): 5'-ATGAAACTCAGAAATGTAGTTTACATACCAAAACATCCATCCCGGGGACATATTTGAGGG[T>C]TATCATGTAGTCTTTTGGAAGATTTGCCACCTACAGAGACAAAAAAAAAAATTCCATAAG-3'
Protein context (NP_000890.1, residues 44-64): VANLPKDYMI[Thr54Ala]LKYVPGMDVL